The following is an entry in ClinVar:

NM_001365536.1(SCN9A):c.4712A>G (p.His1571Arg)

Genes: SCN1A-AS1 (SCN1A and SCN9A antisense RNA 1; plus strand), SCN9A (sodium voltage-gated channel alpha subunit 9; minus strand). Cytogenetic location: 2q24.3.
Variant type: single nucleotide variant.
Coding change: c.4712A>G on transcript NM_001365536.1 (MANE Select); coding-DNA position 4712, A replaced by G.
Protein change: p.His1571Arg; replaces histidine 1571 with arginine.
Molecular consequence: missense variant.
Genome position (GRCh38, 1-based): chr2:166,204,017, T>C on the plus strand (A>G on the coding strand, the complement: SCN9A is on the minus strand). VCF-style: chr2-166204017-T-C. GRCh37 (hg19) VCF-style: chr2-167060527-T-C.
Other names: c.4679A>G, p.His1560Arg (NM_002977.4); short protein forms H1560R, H1571R.
Identifiers: ClinVar variation 2193498 (VCV002193498.4), dbSNP rs778747708, ClinGen allele CA1943801.

ClinVar aggregate classification (germline): Uncertain significance (1 of 4 stars; one submission).

Conditions:
Neuropathy, hereditary sensory and autonomic, type 2A (HSAN2A). Also called: HSAN IIA; MORVAN DISEASE; NEUROPATHY, CONGENITAL SENSORY; NEUROPATHY, HEREDITARY SENSORY RADICULAR, AUTOSOMAL RECESSIVE; NEUROPATHY, HEREDITARY SENSORY, TYPE IIA; NEUROPATHY, PROGRESSIVE SENSORY, OF CHILDREN. Identifiers: Orphanet 970, MedGen C2752089, MONDO:0024309, OMIM 201300.
Generalized epilepsy with febrile seizures plus, type 7 (GEFSP7). Also called: GEFS+, TYPE 7. Identifiers: Orphanet 36387, MedGen C2751778, MONDO:0013470, OMIM 613863.

Allele frequency attached by ClinVar (database versions not stated): ExAC 0.00001; gnomAD exomes 0.00001.
gnomAD v4.1: 11 of 1,605,940 alleles (0.00068%); highest among the groups gnomAD compares: Non-Finnish European, 0.00094%; no homozygotes.

Submission:

Labcorp Genetics (formerly Invitae), Labcorp
Classification: Uncertain significance for Neuropathy, hereditary sensory and autonomic, type 2A; Generalized epilepsy with febrile seizures plus, type 7. Last evaluated: 2022-09-05. Review status: criteria provided, single submitter. Criteria: Invitae Variant Classification Sherloc (09022015). Collection method: clinical testing. Allele origin: germline.
Comment: This sequence change replaces histidine, which is basic and polar, with arginine, which is basic and polar, at codon 1560 of the SCN9A protein (p.His1560Arg). This variant is present in population databases (rs778747708, gnomAD 0.0009%). This variant has not been reported in the literature in individuals affected with SCN9A-related conditions. Algorithms developed to predict the effect of missense changes on protein structure and function are either unavailable or do not agree on the potential impact of this missense change (SIFT: "Deleterious"; PolyPhen-2: "Possibly Damaging"; Align-GVGD: "Class C0"). In summary, the available evidence is currently insufficient to determine the role of this variant in disease. Therefore, it has been classified as a Variant of Uncertain Significance.